The following is an entry in ClinVar:

NM_024592.5(SRD5A3):c.617G>T (p.Gly206Val)

Genes: SRD5A3 (steroid 5 alpha-reductase 3; plus strand), SRD5A3-AS1 (SRD5A3 antisense RNA 1; minus strand). Cytogenetic location: 4q12.
Variant type: single nucleotide variant.
Coding change: c.617G>T on transcript NM_024592.5 (MANE Select); coding-DNA position 617, G replaced by T.
Protein change: p.Gly206Val; replaces glycine 206 with valine.
Molecular consequence: missense variant.
Genome position (GRCh38, 1-based): chr4:55,367,642, G>T. VCF-style: chr4-55367642-G-T. GRCh37 (hg19) VCF-style: chr4-56233809-G-T.
Other names: short protein forms G206V.
Identifiers: ClinVar variation 1196871 (VCV001196871.2), dbSNP rs376616205, ClinGen allele CA2925345.

ClinVar aggregate classification (germline): Likely pathogenic (1 of 4 stars; one submission).

Allele frequency attached by ClinVar (database versions not stated): gnomAD exomes below 0.00001 and 0.00001; ExAC 0.00001; gnomAD 0.00001; TOPMed 0.00001; ESP Exome Variant Server 0.00008.
gnomAD v4.1: 9 of 1,613,968 alleles (0.00056%); highest among the groups gnomAD compares: African/African-American, 0.0027%; no homozygotes.

Submission:

GeneDx
Classification: Likely pathogenic. Last evaluated: 2020-10-16. Review status: criteria provided, single submitter. Criteria: GeneDx Variant Classification Process June 2021. Collection method: clinical testing. Allele origin: germline. Affected: yes.
Comment: Has not been previously published as pathogenic or benign to our knowledge; Not observed at a significant frequency in large population cohorts (Lek et al., 2016); In silico analysis, which includes protein predictors and evolutionary conservation, supports a deleterious effect